The following is an entry in ClinVar:

ClinVar aggregate classification (germline): Uncertain significance (1 of 4 stars; one submission).

Submission:

GeneDx
Classification: Uncertain significance. Last evaluated: 2025-01-29. Review status: criteria provided, single submitter. Criteria: GeneDx Variant Classification Process June 2021. Collection method: clinical testing. Allele origin: germline.
Comment: Not observed at significant frequency in large population cohorts (gnomAD); In silico analysis indicates that this missense variant does not alter protein structure/function; Has not been previously published as pathogenic or benign to our knowledge

NM_001378418.1(TCF20):c.2273A>G (p.Gln758Arg)

Gene: TCF20 (transcription factor 20; minus strand). Cytogenetic location: 22q13.2.
Variant type: single nucleotide variant.
Coding change: c.2273A>G on transcript NM_001378418.1 (MANE Select); coding-DNA position 2273, A replaced by G.
Protein change: p.Gln758Arg; replaces glutamine 758 with arginine.
Molecular consequence: missense variant.
Genome position (GRCh38, 1-based): chr22:42,213,033, T>C on the plus strand (A>G on the coding strand, the complement: TCF20 is on the minus strand). VCF-style: chr22-42213033-T-C. GRCh37 (hg19) VCF-style: chr22-42609039-T-C.
Other names: c.2273A>G, p.Gln758Arg (NM_005650.4, NM_181492.3); short protein forms Q758R.
Identifiers: ClinVar variation 3573474 (VCV003573474.2).